The following is an entry in ClinVar:

ClinVar aggregate classification (germline): Pathogenic. Review status: reviewed by expert panel (3 of 4 stars). 2 submissions from 2 submitters: Pathogenic (1). 1 of the submissions does not count toward it. Last evaluated 2016-10-18.

Conditions:
Breast-ovarian cancer, familial, susceptibility to, 1 (BROVCA1). Also called: BRCA1 Hereditary Breast and Ovarian Cancer; OVARIAN CANCER, SUSCEPTIBILITY TO. Identifiers: Orphanet 145, MedGen C2676676, MONDO:0011450, OMIM 604370. Disease mechanism: loss of function.

Submissions (2):

Evidence-based Network for the Interpretation of Germline Mutant Alleles (ENIGMA)
Classification: Pathogenic for Breast-ovarian cancer, familial, susceptibility to, 1. Last evaluated: 2016-10-18. Review status: reviewed by expert panel. Criteria: ENIGMA BRCA1/2 Classification Criteria (2015). Collection method: curation. Allele origin: germline.
Comment: Variant allele predicted to encode a truncated non-functional protein.

Consortium of Investigators of Modifiers of BRCA1/2 (CIMBA), c/o University of Cambridge
Classification: Pathogenic for Breast-ovarian cancer, familial, susceptibility to, 1. Last evaluated: 2015-10-02. Review status: criteria provided, single submitter. Criteria: CIMBA Mutation Classification guidelines May 2016. Collection method: clinical testing. Allele origin: germline. Not counted in ClinVar's aggregate classification.

NM_007294.4(BRCA1):c.3814_3815insT (p.Asn1272fs)

Genes: BRCA1 (BRCA1 DNA repair associated; minus strand), LOC126862571 (BRD4-independent group 4 enhancer GRCh37_chr17:41243136-41244335; plus strand). Cytogenetic location: 17q21.31.
Variant type: Insertion.
Coding change: c.3814_3815insT on transcript NM_007294.4 (MANE Select); coding-DNA positions 3814 to 3815, T inserted.
Protein change: p.Asn1272fs; shifts the reading frame from asparagine 1272.
Molecular consequence: frameshift variant. On other transcripts: intron variant (135).
Genome position: GRCh38 VCF-style: chr17-43091716-T-TA. GRCh37 (hg19) VCF-style: chr17-41243733-T-TA.
Other names: 3933insT; c.3601_3602insT, p.Asn1201fs (NM_001407571.1, NM_001407853.1, NM_001407894.1 and 9 more transcripts); c.3814_3815insT, p.Asn1272fs (NM_001407581.1, NM_001407582.1, NM_001407583.1 and 30 more transcripts); c.3811_3812insT, p.Asn1271fs (NM_001407587.1, NM_001407590.1, NM_001407591.1 and 22 more transcripts); c.3805_3806insT, p.Asn1269fs (NM_001407646.1, NM_001407647.1); c.3691_3692insT, p.Asn1231fs (NM_001407648.1, NM_001407664.1, NM_001407665.1 and 19 more transcripts); c.3688_3689insT, p.Asn1230fs (NM_001407649.1, NM_001407670.1, NM_001407671.1 and 11 more transcripts); c.3736_3737insT, p.Asn1246fs (NM_001407653.1, NM_001407654.1, NM_001407655.1 and 4 more transcripts); and 42 more; short protein forms N1225fs, N1272fs, N1160fs, N1183fs, N1184fs, N1204fs, N1205fs, N1245fs.
Identifiers: ClinVar variation 55014 (VCV000055014.7), dbSNP rs397509109, ClinGen allele CA002457.
Genomic context (GRCh38, chr17:43,091,716, plus strand): 5'-GAACATTTTGTTTCCTCACTAAGGTGATGTTCCTGAGATGCCTTTGCCAATATTACCTGG[T>TA]TACTGCAGTCATTTAAGCTATTCTTCAATGATAATAAATTCTCCTCTGTGTTCTTAGACA-3'